The following is an entry in ClinVar:

ClinVar aggregate classification (germline): Uncertain significance (1 of 4 stars; one submission).

gnomAD v4.1: 3 of 1,602,104 alleles (0.00019%); highest among the groups gnomAD compares: Non-Finnish European, 0.00017%; no homozygotes.

Submission:

Ambry Genetics
Classification: Uncertain significance. Last evaluated: 2022-02-12. Review status: criteria provided, single submitter. Criteria: Ambry Variant Classification Scheme 2023. Collection method: clinical testing. Allele origin: germline.
Comment: The p.R186Q variant (also known as c.557G>A), located in coding exon 4 of the BUB3 gene, results from a G to A substitution at nucleotide position 557. The arginine at codon 186 is replaced by glutamine, an amino acid with highly similar properties. This amino acid position is conserved. In addition, the in silico prediction for this alteration is inconclusive. Since supporting evidence is limited at this time, the clinical significance of this alteration remains unclear.

NM_004725.4(BUB3):c.557G>A (p.Arg186Gln)

Gene: BUB3 (BUB3 mitotic checkpoint protein; plus strand). Cytogenetic location: 10q26.13.
Variant type: single nucleotide variant.
Coding change: c.557G>A on transcript NM_004725.4 (MANE Select); coding-DNA position 557, G replaced by A.
Protein change: p.Arg186Gln; replaces arginine 186 with glutamine.
Molecular consequence: missense variant.
Genome position (GRCh38, 1-based): chr10:123,160,546, G>A. VCF-style: chr10-123160546-G-A. GRCh37 (hg19) VCF-style: chr10-124920062-G-A.
Other names: c.557G>A, p.Arg186Gln (NM_001007793.3); short protein forms R186Q.
Identifiers: ClinVar variation 1748412 (VCV001748412.2), dbSNP rs1453580755, ClinGen allele CA378626358.